The following is an entry in ClinVar:

NM_032634.4(PIGO):c.1864C>A (p.Leu622Met)

Gene: PIGO (phosphatidylinositol glycan anchor biosynthesis class O; minus strand). Cytogenetic location: 9p13.3.
Variant type: single nucleotide variant.
Coding change: c.1864C>A on transcript NM_032634.4 (MANE Select); coding-DNA position 1864, C replaced by A.
Protein change: p.Leu622Met; replaces leucine 622 with methionine.
Molecular consequence: missense variant. On other transcripts: intron variant (2).
Genome position (GRCh38, 1-based): chr9:35,092,023, G>T on the plus strand (C>A on the coding strand, the complement: PIGO is on the minus strand). VCF-style: chr9-35092023-G-T. GRCh37 (hg19) VCF-style: chr9-35092020-G-T.
Other names: c.1344+520C>A (NM_152850.4, NM_001201484.2); short protein forms L622M.
Identifiers: ClinVar variation 566617 (VCV000566617.14), dbSNP rs149262338, ClinGen allele CA5040546.
Genomic context (GRCh38, chr9:35,092,023, plus strand): 5'-GGCAACGATGAAAAAGCCCAGCTAGCCTTGTACATAAAAGCAACCCAATTCCAAGCCTCA[G>T]GGCATATGCACCATTGTGCCGTGGGGGGTTTGTTGTGGCTGAAGTGCCAAGGCGGGGCAT-3'
Protein context (NP_116023.2, residues 612-632): NPPRHNGAYA[Leu622Met]RLGIGLLLCT

ClinVar aggregate classification (germline): Uncertain significance. Review status: criteria provided, multiple submitters, no conflicts (2 of 4 stars). 4 submissions from 4 submitters: Uncertain significance (4). Last evaluated 2023-03-22.

Conditions:
Inborn genetic diseases. Identifiers: MedGen C0950123, MeSH D030342.
Hyperphosphatasia with impaired intellectual development syndrome 2. Also called: Hyperphosphatasia with intellectual disability syndrome 2; GLYCOSYLPHOSPHATIDYLINOSITOL BIOSYNTHESIS DEFECT 6. Identifiers: Orphanet 247262, MedGen C3553637, MONDO:0013882, OMIM 614749.

Allele frequency attached by ClinVar (database versions not stated): gnomAD exomes 0.00004 and 0.00006; gnomAD 0.00006 and 0.00005; ExAC 0.00007; TOPMed 0.00003; ESP Exome Variant Server 0.00008.
gnomAD v4.1: 93 of 1,614,094 alleles (0.0058%); highest among the groups gnomAD compares: Non-Finnish European, 0.0075%; 1 homozygote.

Submissions (4):

Ambry Genetics
Classification: Uncertain significance for Inborn genetic diseases. Last evaluated: 2023-03-22. Review status: criteria provided, single submitter. Criteria: Ambry Variant Classification Scheme 2023. Collection method: clinical testing. Allele origin: germline.

Labcorp Genetics (formerly Invitae), Labcorp
Classification: Uncertain significance for Hyperphosphatasia with impaired intellectual development syndrome 2. Last evaluated: 2022-07-24. Review status: criteria provided, single submitter. Criteria: Invitae Variant Classification Sherloc (09022015). Collection method: clinical testing. Allele origin: germline.
Comment: This sequence change replaces leucine, which is neutral and non-polar, with methionine, which is neutral and non-polar, at codon 622 of the PIGO protein (p.Leu622Met). This variant is present in population databases (rs149262338, gnomAD 0.01%). This variant has not been reported in the literature in individuals affected with PIGO-related conditions. ClinVar contains an entry for this variant (Variation ID: 566617). Algorithms developed to predict the effect of missense changes on protein structure and function output the following: SIFT: "Tolerated"; PolyPhen-2: "Possibly Damaging"; Align-GVGD: "Class C0". The methionine amino acid residue is found in multiple mammalian species, which suggests that this missense change does not adversely affect protein function. In summary, the available evidence is currently insufficient to determine the role of this variant in disease. Therefore, it has been classified as a Variant of Uncertain Significance.

GeneDx
Classification: Uncertain significance. Last evaluated: 2021-08-20. Review status: criteria provided, single submitter. Criteria: GeneDx Variant Classification Process June 2021. Collection method: clinical testing. Allele origin: germline. Affected: yes.
Comment: Not observed at significant frequency in large population cohorts (Lek et al., 2016); In silico analysis, which includes protein predictors and evolutionary conservation, supports that this variant does not alter protein structure/function; Has not been previously published as pathogenic or benign to our knowledge; This variant is associated with the following publications: (PMID: 24417746)

Illumina Laboratory Services, Illumina
Classification: Uncertain significance for Hyperphosphatasia with impaired intellectual development syndrome 2. Last evaluated: 2018-01-13. Review status: criteria provided, single submitter. Criteria: ICSL Variant Classification Criteria 13 December 2019. Collection method: clinical testing. Allele origin: germline.